The following is an entry in ClinVar:

NM_001110556.2(FLNA):c.2399G>C (p.Gly800Ala)

Gene: FLNA (filamin A; minus strand). Cytogenetic location: Xq28.
Variant type: single nucleotide variant.
Coding change: c.2399G>C on transcript NM_001110556.2 (MANE Select); coding-DNA position 2399, G replaced by C.
Protein change: p.Gly800Ala; replaces glycine 800 with alanine.
Molecular consequence: missense variant.
Genome position (GRCh38, 1-based): chrX:154,362,666, C>G on the plus strand (G>C on the coding strand, the complement: FLNA is on the minus strand). VCF-style: chrX-154362666-C-G. GRCh37 (hg19) VCF-style: chrX-153591034-C-G.
Other names: c.2399G>C, p.Gly800Ala (NM_001456.4); short protein forms G800A.
Identifiers: ClinVar variation 3850749 (VCV003850749.1).

ClinVar aggregate classification (germline): Uncertain significance (1 of 4 stars; one submission).

Conditions:
Familial thoracic aortic aneurysm and aortic dissection (TAAD). Also called: Thoracic aortic aneurysms and dissections. Identifiers: Orphanet 91387, MedGen C4707243, MONDO:0019625.

Submission:

Ambry Genetics
Classification: Uncertain significance for Familial thoracic aortic aneurysm and aortic dissection. Last evaluated: 2025-03-10. Review status: criteria provided, single submitter. Criteria: Ambry Variant Classification Scheme 2023. Collection method: clinical testing. Allele origin: germline.
Comment: The p.G800A variant (also known as c.2399G>C), located in coding exon 15 of the FLNA gene, results from a G to C substitution at nucleotide position 2399. The glycine at codon 800 is replaced by alanine, an amino acid with similar properties. This amino acid position is highly conserved in available vertebrate species. In addition, this alteration is predicted to be deleterious by in silico analysis. Based on the available evidence, the clinical significance of this variant remains unclear.